The following is an entry in ClinVar:

ClinVar aggregate classification (germline): Uncertain significance (1 of 4 stars; one submission).

Submission:

Labcorp Genetics (formerly Invitae), Labcorp
Classification: Uncertain significance. Last evaluated: 2022-06-27. Review status: criteria provided, single submitter. Criteria: Invitae Variant Classification Sherloc (09022015). Collection method: clinical testing. Allele origin: germline.
Comment: In summary, the available evidence is currently insufficient to determine the role of this variant in disease. Therefore, it has been classified as a Variant of Uncertain Significance. Variants that disrupt the consensus splice site are a relatively common cause of aberrant splicing (PMID: 17576681, 9536098). Algorithms developed to predict the effect of sequence changes on RNA splicing suggest that this variant is not likely to affect RNA splicing. ClinVar contains an entry for this variant (Variation ID: 1054177). This variant has not been reported in the literature in individuals affected with P3H2-related conditions. This variant is not present in population databases (gnomAD no frequency). This sequence change falls in intron 11 of the P3H2 gene. It does not directly change the encoded amino acid sequence of the P3H2 protein. It affects a nucleotide within the consensus splice site.

Literature cited by the submitters: PubMed 17576681; PubMed 9536098.

NM_018192.4(P3H2):c.1699+6A>C

Gene: P3H2 (prolyl 3-hydroxylase 2; minus strand). Cytogenetic location: 3q28.
Variant type: single nucleotide variant.
Coding change: c.1699+6A>C on transcript NM_018192.4 (MANE Select); 6 bases into the intron after coding-DNA position 1699, A replaced by C.
Molecular consequence: intron variant.
Genome position (GRCh38, 1-based): chr3:189,972,868, T>G on the plus strand (A>C on the coding strand, the complement: P3H2 is on the minus strand). VCF-style: chr3-189972868-T-G. GRCh37 (hg19) VCF-style: chr3-189690657-T-G.
Other names: c.1156+6A>C (NM_001134418.2).
Identifiers: ClinVar variation 1054177 (VCV001054177.5), dbSNP rs2108908834, ClinGen allele CA2499216621.